The following is an entry in ClinVar:

ClinVar aggregate classification (germline): Pathogenic (1 of 4 stars; one submission).

Conditions:
Glycine encephalopathy. Also called: Non-ketotic hyperglycinemia; Nonketotic hyperglycinemia. Identifiers: Orphanet 407, MedGen C0751748, MONDO:0011612, HP:0008288.

Submission:

Women's Health and Genetics/Laboratory Corporation of America, LabCorp
Classification: Pathogenic for Glycine encephalopathy. Last evaluated: 2026-06-16. Review status: criteria provided, single submitter. Criteria: LabCorp Variant Classification Summary - May 2015. Collection method: clinical testing. Allele origin: germline.
Comment: Variant summary: GLDC c.633C>G (p.Tyr211X) results in a premature termination codon, predicted to cause a truncation of the encoded protein or absence of the protein due to nonsense mediated decay, which are commonly known mechanisms for disease. The variant was absent in 243540 control chromosomes. To our knowledge, no occurrence of c.633C>G in individuals affected with GLDC-related conditions and no experimental evidence demonstrating its impact on protein function have been reported. No submitters have cited clinical-significance assessments for this variant to ClinVar. Based on the evidence outlined above, the variant was classified as pathogenic.

NM_000170.3(GLDC):c.633C>G (p.Tyr211Ter)

Gene: GLDC (glycine decarboxylase; minus strand). Cytogenetic location: 9p24.1.
Variant type: single nucleotide variant.
Coding change: c.633C>G on transcript NM_000170.3 (MANE Select); coding-DNA position 633, C replaced by G.
Protein change: p.Tyr211Ter; replaces tyrosine 211 with a stop codon.
Molecular consequence: nonsense.
Genome position (GRCh38, 1-based): chr9:6,610,194, G>C on the plus strand (C>G on the coding strand, the complement: GLDC is on the minus strand). VCF-style: chr9-6610194-G-C. GRCh37 (hg19) VCF-style: chr9-6610194-G-C.
Other names: short protein forms Y211*.
Identifiers: ClinVar variation 4887194 (VCV004887194.1).